The following is an entry in ClinVar:

ClinVar aggregate classification (germline): Conflicting classifications of pathogenicity. Review status: criteria provided, conflicting classifications (1 of 4 stars). 3 submissions from 3 submitters: Uncertain significance (2); Likely benign (1). Last evaluated 2024-04-08.

Conditions:
Hereditary breast ovarian cancer syndrome. Also called: Hereditary breast and ovarian cancer; Hereditary breast and ovarian cancer syndrome (HBOC); Breast and ovarian cancer; BRCA1- and BRCA2-Associated Hereditary Breast and Ovarian Cancer; Hereditary breast and/or ovarian cancer syndrome; Hereditary breast and ovarian cancer syndrome. Identifiers: Orphanet 145, MedGen C0677776, MeSH D061325, MONDO:0003582. Disease mechanism: loss of function.
Hereditary cancer-predisposing syndrome. Also called: Neoplastic Syndromes, Hereditary; Hereditary neoplastic syndrome; Tumor predisposition; Hereditary Cancer Syndrome. Identifiers: Orphanet 140162, MedGen C0027672, MeSH D009386, MONDO:0015356.

Allele frequency attached by ClinVar (database versions not stated): gnomAD exomes below 0.00001.
gnomAD v4.1: 1 of 1,614,026 alleles (0.000062%); highest among the groups gnomAD compares: Admixed American, 0.0017%; no homozygotes.

Submissions (3):

Labcorp Genetics (formerly Invitae), Labcorp
Classification: Uncertain significance for Hereditary breast ovarian cancer syndrome. Last evaluated: 2024-04-08. Review status: criteria provided, single submitter. Criteria: Invitae Variant Classification Sherloc (09022015). Collection method: clinical testing. Allele origin: germline.
Comment: This sequence change replaces tyrosine, which is neutral and polar, with cysteine, which is neutral and slightly polar, at codon 792 of the BRCA2 protein (p.Tyr792Cys). This variant is not present in population databases (gnomAD no frequency). This variant has not been reported in the literature in individuals affected with BRCA2-related conditions. ClinVar contains an entry for this variant (Variation ID: 619632). Advanced modeling of protein sequence and biophysical properties (such as structural, functional, and spatial information, amino acid conservation, physicochemical variation, residue mobility, and thermodynamic stability) performed at Invitae indicates that this missense variant is not expected to disrupt BRCA2 protein function with a negative predictive value of 95%. In summary, the available evidence is currently insufficient to determine the role of this variant in disease. Therefore, it has been classified as a Variant of Uncertain Significance.

University of Washington Department of Laboratory Medicine, University of Washington
Classification: Likely benign for Hereditary cancer-predisposing syndrome. Last evaluated: 2023-03-23. Review status: criteria provided, single submitter. Criteria: Dines et al. (Genet Med. 2020). Collection method: curation. Allele origin: germline.
Comment: Missense variant in a coldspot region where missense variants are very unlikely to be pathogenic (PMID:31911673).

BRCA2 exon 11 coldspot. Reclassification based on statistical prior probability.

Quest Diagnostics Nichols Institute San Juan Capistrano
Classification: Uncertain significance. Last evaluated: 2017-10-05. Review status: criteria provided, single submitter. Criteria: Quest Diagnostics criteria. Collection method: clinical testing. Allele origin: germline.

NM_000059.4(BRCA2):c.2375A>G (p.Tyr792Cys)

Gene: BRCA2 (BRCA2 DNA repair associated; plus strand). Cytogenetic location: 13q13.1.
Variant type: single nucleotide variant.
Coding change: c.2375A>G on transcript NM_000059.4 (MANE Select); coding-DNA position 2375, A replaced by G.
Protein change: p.Tyr792Cys; replaces tyrosine 792 with cysteine.
Molecular consequence: missense variant.
Genome position (GRCh38, 1-based): chr13:32,336,730, A>G. VCF-style: chr13-32336730-A-G. GRCh37 (hg19) VCF-style: chr13-32910867-A-G.
Other names: short protein forms Y792C.
Identifiers: ClinVar variation 619632 (VCV000619632.12), dbSNP rs1566226599, ClinGen allele CA387771806.